The following is an entry in ClinVar:

ClinVar aggregate classification (germline): Uncertain significance (1 of 4 stars; one submission).

Submission:

Labcorp Genetics (formerly Invitae), Labcorp
Classification: Uncertain significance. Last evaluated: 2025-12-25. Review status: criteria provided, single submitter. Criteria: Invitae Variant Classification Sherloc (09022015). Collection method: clinical testing. Allele origin: germline.
Comment: This sequence change replaces glutamic acid, which is acidic and polar, with lysine, which is basic and polar, at codon 657 of the SPTB protein (p.Glu657Lys). This variant is present in population databases (rs775607932, gnomAD 0.007%). This variant has not been reported in the literature in individuals affected with SPTB-related conditions. An algorithm developed to predict the effect of missense changes on protein structure and function (PolyPhen-2) suggests that this variant is likely to be disruptive. In summary, the available evidence is currently insufficient to determine the role of this variant in disease. Therefore, it has been classified as a Variant of Uncertain Significance.

NM_001355436.2(SPTB):c.1969G>A (p.Glu657Lys)

Gene: SPTB (spectrin beta, erythrocytic; minus strand). Cytogenetic location: 14q23.3.
Variant type: single nucleotide variant.
Coding change: c.1969G>A on transcript NM_001355436.2 (MANE Select); coding-DNA position 1969, G replaced by A.
Protein change: p.Glu657Lys; replaces glutamic acid 657 with lysine.
Molecular consequence: missense variant.
Genome position (GRCh38, 1-based): chr14:64,793,694, C>T on the plus strand (G>A on the coding strand, the complement: SPTB is on the minus strand). VCF-style: chr14-64793694-C-T. GRCh37 (hg19) VCF-style: chr14-65260412-C-T.
Other names: c.1969G>A, p.Glu657Lys (NM_001355437.2, NM_001024858.4); short protein forms E657K.
Identifiers: ClinVar variation 4700068 (VCV004700068.1).
Genomic context (GRCh38, chr14:64,793,694, plus strand): 5'-GCTGTAAGATGAGCACACTGGTCAGGTCTTTGCCATAGTCCAGGGAAGAATAGATCTGCT[C>T]CTTCTCCTTGATCCAGCTCTCAGCCTCATCCATCTCCCAGAAGAACTTCCAGAGTCGTTT-3'
Protein context (NP_001342365.1, residues 647-667): DEAESWIKEK[Glu657Lys]QIYSSLDYGK